The following is an entry in ClinVar:

ClinVar aggregate classification (germline): Uncertain significance (1 of 4 stars; one submission).

Conditions:
Norman-Roberts syndrome (LIS2). Also called: Lissencephaly 2 (Norman-Roberts type). Identifiers: Orphanet 89844, MedGen C0796089, MONDO:0009760, OMIM 257320.
Familial temporal lobe epilepsy 7. Identifiers: Orphanet 101046, MedGen C4225327, MONDO:0014639, OMIM 616436.

Submission:

Labcorp Genetics (formerly Invitae), Labcorp
Classification: Uncertain significance for Familial temporal lobe epilepsy 7; Norman-Roberts syndrome. Last evaluated: 2023-04-14. Review status: criteria provided, single submitter. Criteria: Invitae Variant Classification Sherloc (09022015). Collection method: clinical testing. Allele origin: germline.
Comment: Experimental studies and prediction algorithms are not available or were not evaluated, and the functional significance of this variant is currently unknown. In summary, the available evidence is currently insufficient to determine the role of this variant in disease. Therefore, it has been classified as a Variant of Uncertain Significance. This variant has not been reported in the literature in individuals affected with RELN-related conditions. This variant, c.2553_2555del, results in the deletion of 1 amino acid(s) of the RELN protein (p.Glu851del), but otherwise preserves the integrity of the reading frame. This variant is not present in population databases (gnomAD no frequency).

NM_005045.4(RELN):c.2550AGA[1] (p.Glu851del)

Gene: RELN (reelin; minus strand). Cytogenetic location: 7q22.1.
Variant type: Microsatellite.
Coding change: c.2550AGA[1] on transcript NM_005045.4 (MANE Select); one copy of the 3-base unit AGA starting at c.2550; the reference has two copies in a row; one copy, 3 bases deleted.
Protein change: p.Glu851del; deletes glutamic acid 851.
Molecular consequence: inframe deletion.
Genome position (GRCh38, 1-based): chr7:103,630,087-103,630,089, TCT deleted on the plus strand (AGA on the coding strand, the reverse complement: RELN is on the minus strand); deleting any 3 consecutive bases within chr7:103,630,087-103,630,092 gives the same sequence; the position shown is the placement nearest the transcript's 3' end. VCF-style (leftmost placement, unchanged base first): chr7-103630086-ATCT-A. GRCh37 (hg19) VCF-style: chr7-103270533-ATCT-A.
Other names: c.2550AGA[1], p.Glu851del (NM_173054.3); short protein forms E851del.
Identifiers: ClinVar variation 2944521 (VCV002944521.3), dbSNP rs2484788607, ClinGen allele CA2740097494.